The following is an entry in ClinVar:

NM_001852.4(COL9A2):c.820G>A (p.Gly274Ser)

Gene: COL9A2 (collagen type IX alpha 2 chain; minus strand). Cytogenetic location: 1p34.2.
Variant type: single nucleotide variant.
Coding change: c.820G>A on transcript NM_001852.4 (MANE Select); coding-DNA position 820, G replaced by A.
Protein change: p.Gly274Ser; replaces glycine 274 with serine.
Molecular consequence: missense variant.
Genome position (GRCh38, 1-based): chr1:40,309,964, C>T on the plus strand (G>A on the coding strand, the complement: COL9A2 is on the minus strand). VCF-style: chr1-40309964-C-T. GRCh37 (hg19) VCF-style: chr1-40775636-C-T.
Other names: short protein forms G274S.
Identifiers: ClinVar variation 874401 (VCV000874401.11), dbSNP rs1443766012, ClinGen allele CA339853674.

ClinVar aggregate classification (germline): Uncertain significance. Review status: criteria provided, multiple submitters, no conflicts (2 of 4 stars). 2 submissions from 2 submitters: Uncertain significance (2). Last evaluated 2021-07-17.

Conditions:
Epiphyseal dysplasia, multiple, 2 (EDM2). Also called: COL9A2-Related Multiple Epiphyseal Dysplasia. Identifiers: MedGen C1838429, MONDO:0010844, OMIM 600204.

Allele frequency attached by ClinVar (database versions not stated): gnomAD exomes below 0.00001; TOPMed below 0.00001; gnomAD 0.00001.
gnomAD v4.1: 8 of 1,613,976 alleles (0.0005%); highest among the groups gnomAD compares: African/African-American, 0.0013%; no homozygotes.

Submissions (2):

Labcorp Genetics (formerly Invitae), Labcorp
Classification: Uncertain significance. Last evaluated: 2021-07-17. Review status: criteria provided, single submitter. Criteria: Invitae Variant Classification Sherloc (09022015). Collection method: clinical testing. Allele origin: germline.
Comment: This variant is not present in population databases (ExAC no frequency). This variant has not been reported in the literature in individuals affected with COL9A2-related conditions. ClinVar contains an entry for this variant (Variation ID: 874401). Advanced modeling of protein sequence and biophysical properties (such as structural, functional, and spatial information, amino acid conservation, physicochemical variation, residue mobility, and thermodynamic stability) performed at Invitae indicates that this missense variant is expected to disrupt COL9A2 protein function. In summary, the available evidence is currently insufficient to determine the role of this variant in disease. Therefore, it has been classified as a Variant of Uncertain Significance. This sequence change replaces glycine with serine at codon 274 of the COL9A2 protein (p.Gly274Ser). The glycine residue is highly conserved and there is a small physicochemical difference between glycine and serine.

Illumina Laboratory Services, Illumina
Classification: Uncertain significance for Epiphyseal dysplasia, multiple, 2. Last evaluated: 2018-01-13. Review status: criteria provided, single submitter. Criteria: ICSL Variant Classification Criteria 13 December 2019. Collection method: clinical testing. Allele origin: germline.